The following is an entry in ClinVar:

NM_000426.4(LAMA2):c.112+1G>A

Gene: LAMA2 (laminin subunit alpha 2; plus strand). Cytogenetic location: 6q22.33.
Variant type: single nucleotide variant.
Coding change: c.112+1G>A on transcript NM_000426.4 (MANE Select); the canonical splice donor site of the intron after coding-DNA position 112, G replaced by A.
Molecular consequence: splice donor variant.
Genome position (GRCh38, 1-based): chr6:128,883,358, G>A. VCF-style: chr6-128883358-G-A. GRCh37 (hg19) VCF-style: chr6-129204503-G-A.
Other names: c.112+1G>A (NM_001079823.2).
Identifiers: ClinVar variation 92937 (VCV000092937.27), dbSNP rs398123367, ClinGen allele CA220740.

ClinVar aggregate classification (germline): Pathogenic/Likely pathogenic. Review status: criteria provided, multiple submitters, no conflicts (2 of 4 stars). 6 submissions from 6 submitters: Pathogenic (5); Likely pathogenic (1). Last evaluated 2024-03-13.

Conditions:
LAMA2-related muscular dystrophy (LAMA2-RD). Also called: Laminin alpha 2-related dystrophy. Identifiers: MedGen C5679788, MONDO:0100228.
Merosin deficient congenital muscular dystrophy (MDC1A). Also called: Congenital merosin-deficient muscular dystrophy 1A; Congenital Muscular Dystrophy Type 1A (MDC1A). Identifiers: Orphanet 258, MedGen C1263858, MONDO:0011925, OMIM 607855.

Allele frequency attached by ClinVar (database versions not stated): gnomAD 0.00001; gnomAD exomes 0.00002 and 0.00004; TOPMed 0.00002; ExAC 0.00003.

Submissions (6):

Labcorp Genetics (formerly Invitae), Labcorp
Classification: Pathogenic for LAMA2-related muscular dystrophy. Last evaluated: 2024-03-13. Review status: criteria provided, single submitter. Criteria: Invitae Variant Classification Sherloc (09022015). Collection method: clinical testing. Allele origin: germline.
Comment: This sequence change affects a donor splice site in intron 1 of the LAMA2 gene. It is expected to disrupt RNA splicing. Variants that disrupt the donor or acceptor splice site typically lead to a loss of protein function (PMID: 16199547), and loss-of-function variants in LAMA2 are known to be pathogenic (PMID: 18700894, 32904964). The frequency data for this variant in the population databases is considered unreliable, as metrics indicate poor data quality at this position in the gnomAD database. Disruption of this splice site has been observed in individual(s) with merosin deficient congenital muscular dystrophy (PMID: 20207543). ClinVar contains an entry for this variant (Variation ID: 92937). Algorithms developed to predict the effect of sequence changes on RNA splicing suggest that this variant may disrupt the consensus splice site. For these reasons, this variant has been classified as Pathogenic.

Baylor Genetics
Classification: Pathogenic for Merosin deficient congenital muscular dystrophy. Last evaluated: 2023-11-25. Review status: criteria provided, single submitter. Criteria: ACMG Guidelines, 2015. Collection method: clinical testing. Allele origin: unknown.

Athena Diagnostics
Classification: Pathogenic. Last evaluated: 2022-04-05. Review status: criteria provided, single submitter. Criteria: Athena Diagnostics Criteria. Collection method: clinical testing. Allele origin: unknown.
Comment: This variant is expected to severely impact normal RNA splicing, and consequently, protein structure and/or function. The frequency of this variant in the general population is consistent with pathogenicity. This variant has been identified in at least one individual with clinical features associated with merosin-deficient congenital muscular dystrophy.

Myriad Genetics, Inc.
Classification: Likely pathogenic for LAMA2-related muscular dystrophy. Last evaluated: 2021-11-16. Review status: criteria provided, single submitter. Criteria: Myriad Autosomal Dominant, Autosomal Recessive and X-Linked Classification Criteria (2023). Collection method: clinical testing. Allele origin: unknown.
Comment: NM_000426.3(LAMA2):c.112+1G>A is a canonical splice variant classified as likely pathogenic in the context of muscular dystrophy, LAMA2-related. c.112+1G>A has been observed in cases with relevant disease (PMID: 20207543). Functional assessments of this variant are not available in the literature. c.112+1G>A has been observed in population frequency databases (gnomAD: NFE 0.005%). In summary, NM_000426.3(LAMA2):c.112+1G>A is a canonical splice variant in a gene where loss of function is a known mechanism of disease and is predicted to disrupt protein function. Please note: this variant was assessed in the context of healthy population screening.

Revvity Omics, Revvity
Classification: Pathogenic. Last evaluated: 2020-08-21. Review status: criteria provided, single submitter. Criteria: ACMG Guidelines, 2015. Collection method: clinical testing. Allele origin: germline.

Eurofins Ntd Llc (ga)
Classification: Pathogenic. Last evaluated: 2014-11-23. Review status: criteria provided, single submitter. Criteria: EGL Classification Definitions. Collection method: clinical testing. Allele origin: germline. Observed: 2 variant alleles, 2 heterozygotes.

Literature cited by the submitters: PubMed 16199547 (cited by Labcorp Genetics (formerly Invitae), Labcorp); PubMed 18700894 (cited by Labcorp Genetics (formerly Invitae), Labcorp); PubMed 32904964 (cited by Labcorp Genetics (formerly Invitae), Labcorp); PubMed 20207543 (cited by 3 submitters).